The following is an entry in ClinVar:

NM_001375524.1(TRRAP):c.2768G>A (p.Ser923Asn)

Gene: TRRAP (transformation/transcription domain associated protein; plus strand). Cytogenetic location: 7q22.1.
Variant type: single nucleotide variant.
Coding change: c.2768G>A on transcript NM_001375524.1 (MANE Select); coding-DNA position 2768, G replaced by A.
Protein change: p.Ser923Asn; replaces serine 923 with asparagine.
Molecular consequence: missense variant.
Genome position (GRCh38, 1-based): chr7:98,921,898, G>A. VCF-style: chr7-98921898-G-A. GRCh37 (hg19) VCF-style: chr7-98519521-G-A.
Other names: c.2768G>A, p.Ser923Asn (NM_001244580.2, NM_003496.4); short protein forms S923N.
Identifiers: ClinVar variation 4686243 (VCV004686243.1).

ClinVar aggregate classification (germline): Uncertain significance (1 of 4 stars; one submission).

Submission:

GeneDx
Classification: Uncertain significance. Last evaluated: 2025-07-14. Review status: criteria provided, single submitter. Criteria: GeneDx Variant Classification Process June 2021. Collection method: clinical testing. Allele origin: germline. Affected: yes.
Comment: Not observed at significant frequency in large population cohorts (gnomAD); In silico analysis suggests that this missense variant does not alter protein structure/function; Has not been previously published as pathogenic or benign to our knowledge